The following is an entry in ClinVar:

ClinVar aggregate classification (germline): Conflicting classifications of pathogenicity. Review status: criteria provided, conflicting classifications (1 of 4 stars). 10 submissions from 10 submitters: Pathogenic (3); Likely pathogenic (4); Uncertain significance (1). 2 of the submissions do not count toward it. Last evaluated 2025-07-18.

Conditions:
Retinal dystrophy. Also called: Inherited retinal dystrophy. Identifiers: Orphanet 71862, MedGen C0854723, MeSH D058499, MONDO:0019118, HP:0000556.
Retinitis pigmentosa (RP). Identifiers: Orphanet 791, MedGen C0035334, MeSH D012174, MONDO:0019200, OMIM 268000. Inheritance: Autosomal dominant, autosomal recessive and X linked inheritance.
Leber congenital amaurosis 6 (LCA6). Identifiers: Orphanet 65, MedGen C1854260, MONDO:0013446, OMIM 613826.
Cone-rod dystrophy 13 (CORD13). Identifiers: Orphanet 1872, MedGen C2750720, MONDO:0011987, OMIM 608194.
Leber congenital amaurosis (LCA). Also called: Leber's amaurosis. Identifiers: Orphanet 65, MedGen C0339527, MeSH D057130, MONDO:0018998.
Autosomal recessive RPGRIP1-related disorders.
RPGRIP1-related disorder. Also called: RPGRIP1-related condition.

Submissions (10):

Variantyx, Inc.
Classification: Pathogenic for Autosomal recessive RPGRIP1-related disorders. Last evaluated: 2025-07-18. Review status: criteria provided, single submitter. Criteria: Variantyx Assertion Criteria 2022. Collection method: clinical testing. Allele origin: germline. Inheritance: Autosomal recessive inheritance. Affected: yes.
Comment: This is an intronic variant in the RPGRIP1 gene (OMIM: 605446). Pathogenic variants in this gene have been associated with autosomal recessive RPGRIP1-related disorders. This intronic variant is expected to result in loss of function, which is a known disease mechanism for RPGRIP1 in this disorder (PMID: 28181551) (PVS1). This variant has been identified in the homozygous or compound heterozygous state in at least 3 individuals reported in the published literature (PMID: 28181551, 31816670, 36909829) (PM3). It has a 0.0608% maximum allele frequency in non-founder control populations (PM2). Based on the current evidence, this variant is classified as pathogenic for autosomal recessive RPGRIP1-related disorders.

Blueprint Genetics
Classification: Likely pathogenic for RPGRIP1-related disorders. Last evaluated: 2024-09-26. Review status: criteria provided, single submitter. Criteria: ACMG Guidelines, 2015. Collection method: clinical testing. Allele origin: germline. Affected: yes. Observed: 5 variant alleles.

Mendelics
Classification: Uncertain significance for Leber congenital amaurosis 6. Last evaluated: 2024-02-27. Review status: criteria provided, single submitter. Criteria: Mendelics Assertion Criteria 2019. Collection method: clinical testing. Allele origin: germline.

Ophthalmic Genetics Group, Institute of Molecular and Clinical Ophthalmology Basel
Classification: Likely pathogenic for Retinitis pigmentosa. Last evaluated: 2023-07-24. Review status: criteria provided, single submitter. Criteria: ACMG Guidelines, 2015. Collection method: research. Allele origin: germline. Affected: yes. Observed: 1 variant allele.
Comment: Clinical significance based on ACMG v2.0

This variant was classified as Likely pathogenic based on ACMG criteria: PP5, PM2, BP7.

Department of Pathology and Laboratory Medicine, Sinai Health System
Classification: Likely pathogenic for Leber congenital amaurosis 6; Cone-rod dystrophy 13. Last evaluated: 2023-04-04. Review status: criteria provided, single submitter. Criteria: ACMG Guidelines, 2015. Collection method: research. Allele origin: germline.

Women's Health and Genetics/Laboratory Corporation of America, LabCorp
Classification: Pathogenic for Leber congenital amaurosis. Last evaluated: 2022-11-21. Review status: criteria provided, single submitter. Criteria: LabCorp Variant Classification Summary - May 2015. Collection method: clinical testing. Allele origin: germline.
Comment: Variant summary: RPGRIP1 c.2367+23delG is located at a position not widely known to affect splicing. 4/4 computational tools predict no significant impact on normal splicing. However, at least two publications report experimental evidence that this variant affects mRNA splicing (Riera_2017, Jamshidi_2019). The variant allele was found at a frequency of 0.00022 in 160126 control chromosomes. This frequency is not significantly higher than expected for a pathogenic variant in RPGRIP1 causing Leber Congenital Amaurosis (0.00022 vs 0.0011), allowing no conclusion about variant significance. c.2367+23delG has been reported in the literature in individuals affected with Leber Congenital Amaurosis or related disorders (Riera_2017, Yohe_2020, Weisschuh_2020). These data indicate that the variant is likely to be associated with disease. Two clinical diagnostic laboratories have submitted clinical-significance assessments for this variant to ClinVar after 2014 without evidence for independent evaluation. One laboratory classified the variant as likely pathogenic, and one laboratory classified the variant as uncertain significance. Based on the evidence outlined above, the variant was classified as pathogenic.

Institute of Human Genetics, Univ. Regensburg, Univ. Regensburg
Classification: Pathogenic for Retinal dystrophy. Last evaluated: 2022-01-01. Review status: criteria provided, single submitter. Criteria: ACMG Guidelines, 2015. Collection method: clinical testing. Allele origin: germline. Affected: yes.

Broad Center for Mendelian Genomics, Broad Institute of MIT and Harvard
Classification: Likely pathogenic for Leber congenital amaurosis 6. Last evaluated: 2018-12-03. Review status: criteria provided, single submitter. Criteria: ACMG Guidelines, 2015. Collection method: research. Allele origin: germline. Inheritance: Autosomal recessive inheritance. Affected: yes.
Comment: The c.2367+23delG variant in RPGRIP1 has not been previously reported in individuals with Leber Congenital Amaurosis but has been identified in 0.02207% (41/185798) of chromosomes by the Genome Aggregation Database (gnomAD; dbSNP rs781728563). Although this variant has been seen in the general population, its frequency is low enough to be consistent with a recessive carrier frequency. This variant is located in the 5' splice region. Computational tools do not suggest an impact to splicing. However, this information is not predictive enough to rule out pathogenicity and a minigene assay in vitro demonstrated abnormal splicing of Intron 15 (PMID: 30072743). In summary, although additional studies are required to fully establish its clinical significance, the c.2367+23delG variant is likely pathogenic. Criteria applied: PM2, PS3 (Richards 2015).

PreventionGenetics, part of Exact Sciences
Classification: Likely benign for RPGRIP1-related condition. Last evaluated: 2019-06-07. Review status: no assertion criteria provided. Collection method: clinical testing. Allele origin: germline. Not counted in ClinVar's aggregate classification.
Comment: This variant is classified as likely benign based on ACMG/AMP sequence variant interpretation guidelines (Richards et al. 2015 PMID: 25741868, with internal and published modifications).

Laboratory of Genetics in Ophthalmology, Institut Imagine
Classification: Pathogenic for Leber congenital amaurosis 6. Review status: no assertion criteria provided. Collection method: research. Allele origin: inherited. Affected: yes. Observed: 1 variant allele. Not counted in ClinVar's aggregate classification.

Literature cited by the submitters: PubMed 28181551 (cited by 4 submitters); PubMed 31816670 (cited by 3 submitters); PubMed 36909829 (cited by Variantyx, Inc. and Ophthalmic Genetics Group, Institute of Molecular and Clinical Ophthalmology Basel); PubMed 32531858 (cited by Women's Health and Genetics/Laboratory Corporation of America, LabCorp and Institute of Human Genetics, Univ. Regensburg, Univ. Regensburg); PubMed 30072743 (cited by 3 submitters); PubMed 24516651 (cited by Women's Health and Genetics/Laboratory Corporation of America, LabCorp).

NM_020366.4(RPGRIP1):c.2367+23del

Gene: RPGRIP1 (RPGR interacting protein 1; plus strand). Cytogenetic location: 14q11.2.
Variant type: Deletion.
Coding change: c.2367+23del on transcript NM_020366.4 (MANE Select); 23 bases into the intron after coding-DNA position 2367, one base deleted (G; older notation c.2367+23delG).
Molecular consequence: intron variant.
Genome position (GRCh38, 1-based): chr14:21,325,406, G deleted; the last of 2 consecutive G bases (chr14:21,325,405-21,325,406); deleting either gives the same sequence. VCF-style (leftmost placement, unchanged base first): chr14-21325404-AG-A. GRCh37 (hg19) VCF-style: chr14-21793563-AG-A.
Other names: NC_000014.8:g.21793565del; NP_065099.3:p.?; c.2367+23delG (NM_020366.3, NM_020366.4); c.1293+23del (NM_001377948.1); c.796+681del (NM_001377949.1); c.689-2217del (NM_001377523.1, NM_001377950.1); c.191-2217del (NM_001377951.1).
Identifiers: ClinVar variation 813992 (VCV000813992.13), dbSNP rs781728563, ClinGen allele CA7089231.